The following is an entry in ClinVar:

NM_002024.6(FMR1):c.1463A>G (p.Tyr488Cys)

Gene: FMR1 (fragile X messenger ribonucleoprotein 1; plus strand). Cytogenetic location: Xq27.3.
Variant type: single nucleotide variant.
Coding change: c.1463A>G on transcript NM_002024.6 (MANE Select); coding-DNA position 1463, A replaced by G.
Protein change: p.Tyr488Cys; replaces tyrosine 488 with cysteine.
Molecular consequence: missense variant. On other transcripts: intron variant (2).
Genome position (GRCh38, 1-based): chrX:147,943,318, A>G. VCF-style: chrX-147943318-A-G. GRCh37 (hg19) VCF-style: chrX-147024838-A-G.
Other names: c.1400A>G, p.Tyr467Cys (NM_001185076.2, NM_001185082.2); c.1276-1626A>G (NM_001185075.2); c.1213-1626A>G (NM_001185081.2); short protein forms Y467C, Y488C.
Identifiers: ClinVar variation 1308829 (VCV001308829.2), dbSNP rs2124565680, ClinGen allele CA414446232.

ClinVar aggregate classification (germline): Uncertain significance (1 of 4 stars; one submission).

Submission:

GeneDx
Classification: Uncertain significance. Last evaluated: 2020-08-24. Review status: criteria provided, single submitter. Criteria: GeneDx Variant Classification Process June 2021. Collection method: clinical testing. Allele origin: germline. Affected: yes.
Comment: Not observed in large population cohorts (Lek et al., 2016); In silico analysis, which includes protein predictors and evolutionary conservation, supports a deleterious effect; Has not been previously published as pathogenic or benign to our knowledge